The following is an entry in ClinVar:

ClinVar aggregate classification (germline): Conflicting classifications of pathogenicity. Review status: criteria provided, conflicting classifications (1 of 4 stars). 6 submissions from 6 submitters: Uncertain significance (1); Benign (1); Likely benign (4). Last evaluated 2025-08-22.

Conditions:
MYOT-related disorder. Also called: MYOT-related condition.
Myofibrillar myopathy 3 (MFM3). Also called: Muscular dystrophy, proximal, type 1A; Autosomal dominant spheroid body myopathy. Identifiers: Orphanet 266, Orphanet 268129, MedGen C3714934, MONDO:0012215, OMIM 609200.

Allele frequency attached by ClinVar (database versions not stated): TOPMed 0.00014; 1000 Genomes Project 0.00080; 1000 Genomes Project 30x 0.00109.
gnomAD v4.1: 59 of 1,613,136 alleles (0.0037%); highest among the groups gnomAD compares: Admixed American, 0.055%; no homozygotes.

Submissions (6):

PreventionGenetics, part of Exact Sciences
Classification: Likely benign for MYOT-related condition. Last evaluated: 2025-08-22. Review status: criteria provided, single submitter. Criteria: ACMG Guidelines, 2015. Collection method: clinical testing. Allele origin: germline.
Comment: This variant is classified as likely benign based on ACMG/AMP sequence variant interpretation guidelines (Richards et al. 2015 PMID: 25741868, with internal and published modifications).

Labcorp Genetics (formerly Invitae), Labcorp
Classification: Likely benign for Myofibrillar myopathy 3. Last evaluated: 2025-07-28. Review status: criteria provided, single submitter. Criteria: Invitae Variant Classification Sherloc (09022015). Collection method: clinical testing. Allele origin: germline.

Athena Diagnostics
Classification: Benign. Last evaluated: 2024-03-07. Review status: criteria provided, single submitter. Criteria: Athena Diagnostics Criteria. Collection method: clinical testing. Allele origin: unknown.

Blueprint Genetics
Classification: Likely benign. Last evaluated: 2022-09-07. Review status: criteria provided, single submitter. Criteria: ACMG Guidelines, 2015. Collection method: clinical testing. Allele origin: germline.

GeneDx
Classification: Likely benign. Last evaluated: 2021-06-24. Review status: criteria provided, single submitter. Criteria: GeneDx Variant Classification Process June 2021. Collection method: clinical testing. Allele origin: germline. Affected: yes.

Eurofins Ntd Llc (ga)
Classification: Uncertain significance. Last evaluated: 2018-01-24. Review status: criteria provided, single submitter. Criteria: EGL Classification Definitions 2015. Collection method: clinical testing. Allele origin: germline. Observed: 4 variant alleles, 4 heterozygotes.

NM_006790.3(MYOT):c.1275A>G (p.Ala425=)

Genes: PKD2L2-DT (PKD2L2 divergent transcript; minus strand), MYOT (myotilin; plus strand). Cytogenetic location: 5q31.2.
Variant type: single nucleotide variant.
Coding change: c.1275A>G on transcript NM_006790.3 (MANE Select); coding-DNA position 1275, A replaced by G.
Protein change: p.Ala425=; no amino-acid change (alanine 425 retained).
Molecular consequence: synonymous variant.
Genome position (GRCh38, 1-based): chr5:137,886,948, A>G. VCF-style: chr5-137886948-A-G. GRCh37 (hg19) VCF-style: chr5-137222637-A-G.
Other names: c.723A>G, p.Ala241= (NM_001135940.2); c.930A>G, p.Ala310= (NM_001300911.2).
Identifiers: ClinVar variation 286194 (VCV000286194.21), dbSNP rs140678912, ClinGen allele CA3423140.